The following is an entry in ClinVar:

GRCh37/hg19 Xp21.3(chrX:27133302-27839617)x3

Genes: DCAF8L2 (DDB1 and CUL4 associated factor 8 like 2; plus strand), MAGEB10 (MAGE family member B10; plus strand). Cytogenetic location: Xp21.3.
Variant type: copy number gain.
Change: copy number 3 of chrX:27,133,302-27,839,617 (706.3 kb, GRCh37 coordinates, 1-based), cytogenetic band Xp21.3.
Identifiers: ClinVar variation 929321 (VCV000929321.2).

ClinVar aggregate classification (germline): Uncertain significance (1 of 4 stars; one submission).

Submission:

Clinical Genomics Laboratory, Laboratory for Precision Diagnostics, University of Washington
Classification: Uncertain significance. Last evaluated: 2019-04-12. Review status: criteria provided, single submitter. Criteria: Clinical Cytogenomics Laboratory Policy on CNV Interpretation. Collection method: clinical testing. Allele origin: unknown. Affected: yes. Observed: 1 variant allele.